The following is an entry in ClinVar:

NM_006918.5(SC5D):c.189G>T (p.Met63Ile)

Gene: SC5D (sterol-C5-desaturase; plus strand). Cytogenetic location: 11q24.1.
Variant type: single nucleotide variant.
Coding change: c.189G>T on transcript NM_006918.5 (MANE Select); coding-DNA position 189, G replaced by T.
Protein change: p.Met63Ile; replaces methionine 63 with isoleucine.
Molecular consequence: missense variant.
Genome position (GRCh38, 1-based): chr11:121,303,564, G>T. VCF-style: chr11-121303564-G-T. GRCh37 (hg19) VCF-style: chr11-121174273-G-T.
Other names: c.189G>T, p.Met63Ile (NM_001024956.3); short protein forms M63I.
Identifiers: ClinVar variation 1369377 (VCV001369377.6), dbSNP rs202105637, ClinGen allele CA6328045.
Genomic context (GRCh38, chr11:121,303,564, plus strand): 5'-CATCCTTTATTTCTTCTGTGCAACACTGAGCTATTATTTTGTCTTCGATCATGCATTAAT[G>T]AAACATCCACAATTTTTAAAGGTAAGAAATGTTTTTACCTATTTTCTAACGATTAAAGTA-3'
Protein context (NP_008849.2, residues 53-73): SYYFVFDHAL[Met63Ile]KHPQFLKNQV

ClinVar aggregate classification (germline): Uncertain significance (1 of 4 stars; one submission).

Allele frequency attached by ClinVar (database versions not stated): gnomAD exomes below 0.00001 and 0.00001; ExAC 0.00001.
gnomAD v4.1: 4 of 1,611,880 alleles (0.00025%); highest among the groups gnomAD compares: Non-Finnish European, 0.00034%; no homozygotes.

Submission:

Labcorp Genetics (formerly Invitae), Labcorp
Classification: Uncertain significance. Last evaluated: 2022-03-04. Review status: criteria provided, single submitter. Criteria: Invitae Variant Classification Sherloc (09022015). Collection method: clinical testing. Allele origin: germline.
Comment: This sequence change replaces methionine, which is neutral and non-polar, with isoleucine, which is neutral and non-polar, at codon 63 of the SC5D protein (p.Met63Ile). This variant is present in population databases (rs202105637, gnomAD 0.0009%). This variant has not been reported in the literature in individuals affected with SC5D-related conditions. Algorithms developed to predict the effect of missense changes on protein structure and function (SIFT, PolyPhen-2, Align-GVGD) all suggest that this variant is likely to be tolerated. In summary, the available evidence is currently insufficient to determine the role of this variant in disease. Therefore, it has been classified as a Variant of Uncertain Significance.